The following is an entry in ClinVar:

NM_004211.5(SLC6A5):c.242A>G (p.Lys81Arg)

Gene: SLC6A5 (solute carrier family 6 member 5; plus strand). Cytogenetic location: 11p15.1.
Variant type: single nucleotide variant.
Coding change: c.242A>G on transcript NM_004211.5 (MANE Select); coding-DNA position 242, A replaced by G.
Protein change: p.Lys81Arg; replaces lysine 81 with arginine.
Molecular consequence: missense variant. On other transcripts: 5 prime UTR variant (1).
Genome position (GRCh38, 1-based): chr11:20,601,367, A>G. VCF-style: chr11-20601367-A-G. GRCh37 (hg19) VCF-style: chr11-20622913-A-G.
Other names: c.-322A>G (NM_001318369.2); short protein forms K81R.
Identifiers: ClinVar variation 958611 (VCV000958611.6), dbSNP rs766483394, ClinGen allele CA5921021.

ClinVar aggregate classification (germline): Uncertain significance. Review status: criteria provided, multiple submitters, no conflicts (2 of 4 stars). 2 submissions from 2 submitters: Uncertain significance (2). Last evaluated 2025-03-22.

Conditions:
Inborn genetic diseases. Identifiers: MedGen C0950123, MeSH D030342.
Hyperekplexia 3 (HKPX3). Also called: HYPEREKPLEXIA 3, AUTOSOMAL RECESSIVE; HYPEREKPLEXIA 3, AUTOSOMAL DOMINANT. Identifiers: Orphanet 3197, MedGen C3553288, MONDO:0013827, OMIM 614618.

Allele frequency attached by ClinVar (database versions not stated): gnomAD exomes below 0.00001 and 0.00001; TOPMed below 0.00001; ExAC 0.00001.
gnomAD v4.1: 2 of 1,602,844 alleles (0.00012%); highest among the groups gnomAD compares: Admixed American, 0.0034%; no homozygotes.

Submissions (2):

Ambry Genetics
Classification: Uncertain significance for Inborn genetic diseases. Last evaluated: 2025-03-22. Review status: criteria provided, single submitter. Criteria: Ambry Variant Classification Scheme 2023. Collection method: clinical testing. Allele origin: germline.

Labcorp Genetics (formerly Invitae), Labcorp
Classification: Uncertain significance for Hyperekplexia 3. Last evaluated: 2022-08-22. Review status: criteria provided, single submitter. Criteria: Invitae Variant Classification Sherloc (09022015). Collection method: clinical testing. Allele origin: germline.
Comment: This sequence change replaces lysine, which is basic and polar, with arginine, which is basic and polar, at codon 81 of the SLC6A5 protein (p.Lys81Arg). This variant is present in population databases (rs766483394, gnomAD 0.006%). This variant has not been reported in the literature in individuals affected with SLC6A5-related conditions. ClinVar contains an entry for this variant (Variation ID: 958611). Advanced modeling of protein sequence and biophysical properties (such as structural, functional, and spatial information, amino acid conservation, physicochemical variation, residue mobility, and thermodynamic stability) performed at Invitae indicates that this missense variant is not expected to disrupt SLC6A5 protein function. Algorithms developed to predict the effect of sequence changes on RNA splicing suggest that this variant may create or strengthen a splice site. In summary, the available evidence is currently insufficient to determine the role of this variant in disease. Therefore, it has been classified as a Variant of Uncertain Significance.